The following is an entry in ClinVar:

ClinVar aggregate classification (germline): Uncertain significance (1 of 4 stars; one submission).

Conditions:
Neuroblastoma, susceptibility to, 3. Also called: ALK-Related Neuroblastic Tumor Susceptibility. Identifiers: Orphanet 635, MedGen C2751681, MONDO:0013083, OMIM 613014.

Submission:

Labcorp Genetics (formerly Invitae), Labcorp
Classification: Uncertain significance for Neuroblastoma, susceptibility to, 3. Last evaluated: 2023-08-01. Review status: criteria provided, single submitter. Criteria: Invitae Variant Classification Sherloc (09022015). Collection method: clinical testing. Allele origin: germline.
Comment: In summary, the available evidence is currently insufficient to determine the role of this variant in disease. Therefore, it has been classified as a Variant of Uncertain Significance. An algorithm developed to predict the effect of missense changes on protein structure and function (PolyPhen-2) suggests that this variant is likely to be disruptive. ClinVar contains an entry for this variant (Variation ID: 968081). This variant has not been reported in the literature in individuals affected with ALK-related conditions. This variant is not present in population databases (gnomAD no frequency). This sequence change replaces arginine, which is basic and polar, with glycine, which is neutral and non-polar, at codon 1113 of the ALK protein (p.Arg1113Gly).

NM_004304.5(ALK):c.3337C>G (p.Arg1113Gly)

Gene: ALK (ALK receptor tyrosine kinase; minus strand). Cytogenetic location: 2p23.2.
Variant type: single nucleotide variant.
Coding change: c.3337C>G on transcript NM_004304.5 (MANE Select); coding-DNA position 3337, C replaced by G.
Protein change: p.Arg1113Gly; replaces arginine 1113 with glycine.
Molecular consequence: missense variant.
Genome position (GRCh38, 1-based): chr2:29,223,364, G>C on the plus strand (C>G on the coding strand, the complement: ALK is on the minus strand). VCF-style: chr2-29223364-G-C. GRCh37 (hg19) VCF-style: chr2-29446230-G-C.
Other names: c.133C>G, p.Arg45Gly (NM_001353765.2); short protein forms R1113G, R45G.
Identifiers: ClinVar variation 968081 (VCV000968081.9), dbSNP rs773583710, ClinGen allele CA346464678.